The following is an entry in ClinVar:

NM_022168.4(IFIH1):c.413G>A (p.Cys138Tyr)

Gene: IFIH1 (interferon induced with helicase C domain 1; minus strand). Cytogenetic location: 2q24.2.
Variant type: single nucleotide variant.
Coding change: c.413G>A on transcript NM_022168.4 (MANE Select); coding-DNA position 413, G replaced by A.
Protein change: p.Cys138Tyr; replaces cysteine 138 with tyrosine.
Molecular consequence: missense variant.
Genome position (GRCh38, 1-based): chr2:162,317,895, C>T on the plus strand (G>A on the coding strand, the complement: IFIH1 is on the minus strand). VCF-style: chr2-162317895-C-T. GRCh37 (hg19) VCF-style: chr2-163174405-C-T.
Other names: short protein forms C138Y.
Identifiers: ClinVar variation 1393544 (VCV001393544.6), dbSNP rs774361518, ClinGen allele CA1934833.

ClinVar aggregate classification (germline): Uncertain significance (1 of 4 stars; one submission).

Conditions:
Aicardi-Goutieres syndrome 7 (AGS7). Identifiers: Orphanet 51, MedGen C3888244, MONDO:0014367, OMIM 615846.
Singleton-Merten syndrome 1 (SGMRT1). Also called: Widened medullary cavities of bone, aortic calcification, abnormal dentition, and muscular weakness; Syndrome of widened medullary cavities of the metacarpals and phalanges, aortic calcification and abnormal dentition. Identifiers: Orphanet 85191, MedGen C4225427, MONDO:0024535, OMIM 182250.

Allele frequency attached by ClinVar (database versions not stated): ExAC 0.00002; gnomAD exomes 0.00002.
gnomAD v4.1: 18 of 1,609,462 alleles (0.0011%); highest among the groups gnomAD compares: South Asian, 0.02%; no homozygotes.

Submission:

Labcorp Genetics (formerly Invitae), Labcorp
Classification: Uncertain significance for Aicardi-Goutieres syndrome 7; Singleton-Merten syndrome 1. Last evaluated: 2021-11-15. Review status: criteria provided, single submitter. Criteria: Invitae Variant Classification Sherloc (09022015). Collection method: clinical testing. Allele origin: germline.
Comment: In summary, the available evidence is currently insufficient to determine the role of this variant in disease. Therefore, it has been classified as a Variant of Uncertain Significance. Algorithms developed to predict the effect of missense changes on protein structure and function are either unavailable or do not agree on the potential impact of this missense change (SIFT: "Deleterious"; PolyPhen-2: "Probably Damaging"; Align-GVGD: "Class C0"). This variant has not been reported in the literature in individuals affected with IFIH1-related conditions. This variant is present in population databases (rs774361518, gnomAD 0.02%). This sequence change replaces cysteine, which is neutral and slightly polar, with tyrosine, which is neutral and polar, at codon 138 of the IFIH1 protein (p.Cys138Tyr).